The following is an entry in ClinVar:

NM_000168.6(GLI3):c.4148A>G (p.Tyr1383Cys)

Gene: GLI3 (GLI family zinc finger 3; minus strand). Cytogenetic location: 7p14.1.
Variant type: single nucleotide variant.
Coding change: c.4148A>G on transcript NM_000168.6 (MANE Select); coding-DNA position 4148, A replaced by G.
Protein change: p.Tyr1383Cys; replaces tyrosine 1383 with cysteine.
Molecular consequence: missense variant.
Genome position (GRCh38, 1-based): chr7:41,964,925, T>C on the plus strand (A>G on the coding strand, the complement: GLI3 is on the minus strand). VCF-style: chr7-41964925-T-C. GRCh37 (hg19) VCF-style: chr7-42004523-T-C.
Other names: short protein forms Y1383C.
Identifiers: ClinVar variation 1436262 (VCV001436262.7), dbSNP rs894551472, ClinGen allele CA156902506.

ClinVar aggregate classification (germline): Uncertain significance. Review status: criteria provided, multiple submitters, no conflicts (2 of 4 stars). 2 submissions from 2 submitters: Uncertain significance (2). Last evaluated 2024-04-15.

Conditions:
Pallister-Hall syndrome (PHS). Also called: HYPOTHALAMIC HAMARTOBLASTOMA, HYPOPITUITARISM, IMPERFORATE ANUS, AND POSTAXIAL POLYDACTYLY; GLI3-Related Pallister-Hall Syndrome. Identifiers: Orphanet 672, MedGen C0265220, MONDO:0007804, OMIM 146510.
Greig cephalopolysyndactyly syndrome (GCPS). Also called: GLI3-Related Greig Cephalopolysyndactyly Syndrome; POLYSYNDACTYLY WITH PECULIAR SKULL SHAPE; Greig syndrome. Identifiers: Orphanet 380, MedGen C0265306, MONDO:0008287, OMIM 175700.
Polydactyly, postaxial, type A1. Identifiers: MedGen C4282400, MONDO:0008266, OMIM 174200.
Polysyndactyly 4. Also called: Polysyndactyly uncomplicated; Preaxial polydactyly 4. Identifiers: Orphanet 93338, MedGen C1868111, MONDO:0008272, OMIM 174700.

Allele frequency attached by ClinVar (database versions not stated): gnomAD 0.00001; gnomAD exomes 0.00001; TOPMed 0.00002.
gnomAD v4.1: 10 of 1,613,634 alleles (0.00062%); highest among the groups gnomAD compares: African/African-American, 0.004%; no homozygotes.

Submissions (2):

Fulgent Genetics
Classification: Uncertain significance for Pallister-Hall syndrome; Polydactyly, postaxial, type A1; Polysyndactyly 4; Greig cephalopolysyndactyly syndrome. Last evaluated: 2024-04-15. Review status: criteria provided, single submitter. Criteria: ACMG Guidelines, 2015. Collection method: clinical testing. Allele origin: germline.

Labcorp Genetics (formerly Invitae), Labcorp
Classification: Uncertain significance for Pallister-Hall syndrome; Greig cephalopolysyndactyly syndrome. Last evaluated: 2022-01-14. Review status: criteria provided, single submitter. Criteria: Invitae Variant Classification Sherloc (09022015). Collection method: clinical testing. Allele origin: germline.
Comment: In summary, the available evidence is currently insufficient to determine the role of this variant in disease. Therefore, it has been classified as a Variant of Uncertain Significance. Algorithms developed to predict the effect of missense changes on protein structure and function are either unavailable or do not agree on the potential impact of this missense change (SIFT: "Deleterious"; PolyPhen-2: "Possibly Damaging"; Align-GVGD: "Class C0"). This variant has not been reported in the literature in individuals affected with GLI3-related conditions. This variant is not present in population databases (gnomAD no frequency). This sequence change replaces tyrosine, which is neutral and polar, with cysteine, which is neutral and slightly polar, at codon 1383 of the GLI3 protein (p.Tyr1383Cys).